The following is an entry in ClinVar:

NM_004186.5(SEMA3F):c.2062G>A (p.Val688Ile)

Gene: SEMA3F (semaphorin 3F; plus strand). Cytogenetic location: 3p21.31.
Variant type: single nucleotide variant.
Coding change: c.2062G>A on transcript NM_004186.5 (MANE Select); coding-DNA position 2062, G replaced by A.
Protein change: p.Val688Ile; replaces valine 688 with isoleucine.
Molecular consequence: missense variant.
Genome position (GRCh38, 1-based): chr3:50,187,819, G>A. VCF-style: chr3-50187819-G-A. GRCh37 (hg19) VCF-style: chr3-50225252-G-A.
Other names: c.1765G>A, p.Val589Ile (NM_001318798.2); c.1969G>A, p.Val657Ile (NM_001318800.2); short protein forms V688I, V657I, V589I.
Identifiers: ClinVar variation 4980281 (VCV004980281.1).

ClinVar aggregate classification (germline): Uncertain significance (1 of 4 stars; one submission).

Conditions:
SEMA3F-related disorder. Also called: SEMA3F-related condition.

gnomAD v4.1: 9 of 1,613,382 alleles (0.00056%); highest among the groups gnomAD compares: East Asian, 0.0067%; 1 homozygote.

Submission:

PreventionGenetics, part of Exact Sciences
Classification: Uncertain significance for SEMA3F-related condition. Last evaluated: 2026-07-08. Review status: criteria provided, single submitter. Criteria: ACMG Guidelines, 2015. Collection method: clinical testing. Allele origin: germline.
Comment: The SEMA3F c.2062G>A variant is predicted to result in the amino acid substitution p.Val688Ile. To our knowledge, this variant has not been reported in the literature. This variant is reported in 0.015% of alleles in individuals of East Asian descent in gnomAD. At this time, the clinical significance of this variant is uncertain due to the absence of conclusive functional and genetic evidence.